The following is an entry in ClinVar:

ClinVar aggregate classification (germline): Uncertain significance. Review status: criteria provided, multiple submitters, no conflicts (2 of 4 stars). 3 submissions from 3 submitters: Uncertain significance (3). Last evaluated 2024-02-26.

Conditions:
Hearing impairment. Also called: Impaired Hearing. Identifiers: MedGen C1384666, MONDO:0005365, HP:0000365.
Inborn genetic diseases. Identifiers: MedGen C0950123, MeSH D030342.

Allele frequency attached by ClinVar (database versions not stated): gnomAD exomes below 0.00001; ExAC 0.00001.
gnomAD v4.1: 2 of 1,613,226 alleles (0.00012%); highest among the groups gnomAD compares: Non-Finnish European, 0.00017%; no homozygotes.

Submissions (3):

Ambry Genetics
Classification: Uncertain significance for Inborn genetic diseases. Last evaluated: 2024-02-26. Review status: criteria provided, single submitter. Criteria: Ambry Variant Classification Scheme 2023. Collection method: clinical testing. Allele origin: germline.

Department of Otolaryngology – Head & Neck Surgery, Cochlear Implant Center
Classification: Uncertain significance for Hearing impairment. Last evaluated: 2021-04-12. Review status: criteria provided, single submitter. Criteria: ClinGen HL ACMG Specifications v1. Collection method: clinical testing. Allele origin: germline. Affected: yes.
Comment: PM2_Moderate, BP4_Supporting

Blueprint Genetics
Classification: Uncertain significance. Last evaluated: 2018-08-29. Review status: criteria provided, single submitter. Criteria: ACMG Guidelines, 2015. Collection method: clinical testing. Allele origin: germline.

NM_032119.4(ADGRV1):c.1954A>G (p.Ile652Val)

Gene: ADGRV1 (adhesion G protein-coupled receptor V1; plus strand). Cytogenetic location: 5q14.3.
Variant type: single nucleotide variant.
Coding change: c.1954A>G on transcript NM_032119.4 (MANE Select); coding-DNA position 1954, A replaced by G.
Protein change: p.Ile652Val; replaces isoleucine 652 with valine.
Molecular consequence: missense variant. On other transcripts: non-coding transcript variant (1).
Genome position (GRCh38, 1-based): chr5:90,635,228, A>G. VCF-style: chr5-90635228-A-G. GRCh37 (hg19) VCF-style: chr5-89931045-A-G.
Other names: short protein forms I652V.
Identifiers: ClinVar variation 1065088 (VCV001065088.5), dbSNP rs749308308, ClinGen allele CA3338787.
Genomic context (GRCh38, chr5:90,635,228, plus strand): 5'-AGATTTGGGGAAATCTGCAATATTTCTTTACTGGTTACTCCAGCCATTGCAAATGGAGAA[A>G]TTGGCTTTCTCAGCAATCTTCCAATTATTTTGCATGAACCAGAAGATTTTGCTGCTGAAG-3'
Protein context (NP_115495.3, residues 642-662): LVTPAIANGE[Ile652Val]GFLSNLPIIL